The following is an entry in ClinVar:

ClinVar aggregate classification (germline): Likely pathogenic (1 of 4 stars; one submission).

Submission:

Labcorp Genetics (formerly Invitae), Labcorp
Classification: Likely pathogenic. Last evaluated: 2023-06-09. Review status: criteria provided, single submitter. Criteria: Invitae Variant Classification Sherloc (09022015). Collection method: clinical testing. Allele origin: germline.
Comment: In summary, the currently available evidence indicates that the variant is pathogenic, but additional data are needed to prove that conclusively. Therefore, this variant has been classified as Likely Pathogenic. This sequence change affects a splice site in intron 8 of the SLC27A4 gene. It is expected to disrupt RNA splicing. Variants that disrupt the donor or acceptor splice site typically lead to a loss of protein function (PMID: 16199547), and loss-of-function variants in SLC27A4 are known to be pathogenic (PMID: 19631310, 21450060). Information on the frequency of this variant in the gnomAD database is not available, as this variant may be reported differently in the database. This variant has not been reported in the literature in individuals affected with SLC27A4-related conditions.

Literature cited by the submitters: PubMed 16199547; PubMed 19631310; PubMed 21450060.

NM_005094.4(SLC27A4):c.1197_1197+1delinsTT

Gene: SLC27A4 (solute carrier family 27 member 4; plus strand). Cytogenetic location: 9q34.11.
Variant type: Indel.
Coding change: c.1197_1197+1delinsTT on transcript NM_005094.4 (MANE Select); coding-DNA position 1197 through the canonical splice donor site of the intron after coding-DNA position 1197, GG replaced by TT.
Molecular consequence: splice donor variant.
Genome position (GRCh38, 1-based): chr9:128,353,234-128,353,235, GG replaced by TT. VCF-style: chr9-128353234-GG-TT. GRCh37 (hg19) VCF-style: chr9-131115513-GG-TT.
Identifiers: ClinVar variation 2699841 (VCV002699841.3), dbSNP rs2539462332, ClinGen allele CA2697558049.
Genomic context (GRCh38, chr9:128,353,234, plus strand): 5'-GGTGGCTGAGTTCTACGGGGCCACAGAGTGCAACTGTAGCCTGGGCAACTTCGACAGCCA[GG>TT]TGCGGCCAGGTTGGGGATGGGCGAGGCTGCTGCAGGGATGGCCCACAGAAGGCACTGGAT-3'